The following is an entry in ClinVar:

NM_177438.3(DICER1):c.1855G>C (p.Asp619His)

Gene: DICER1 (dicer 1, ribonuclease III; minus strand). Cytogenetic location: 14q32.13.
Variant type: single nucleotide variant.
Coding change: c.1855G>C on transcript NM_177438.3 (MANE Select); coding-DNA position 1855, G replaced by C.
Protein change: p.Asp619His; replaces aspartic acid 619 with histidine.
Molecular consequence: missense variant.
Genome position (GRCh38, 1-based): chr14:95,115,719, C>G on the plus strand (G>C on the coding strand, the complement: DICER1 is on the minus strand). VCF-style: chr14-95115719-C-G. GRCh37 (hg19) VCF-style: chr14-95582056-C-G.
Other names: c.1855G>C, p.Asp619His (NM_001195573.1, NM_001271282.3, NM_001291628.2 and 1 more transcripts); short protein forms D619H.
Identifiers: ClinVar variation 1500922 (VCV001500922.7), dbSNP rs2140113202, ClinGen allele CA390883984.
Genomic context (GRCh38, chr14:95,115,719, plus strand): 5'-TGCCATACCTATTGATGTGTCCAATGGCCGTGTTGATTGTGACTCGTGGACCACCATCGT[C>G]AGGCCTCAACACATATGGTGGGAAAACGTCATCATCATCCATGACAGGATCAATGTCAGT-3'
Protein context (NP_803187.1, residues 609-629): DVFPPYVLRP[Asp619His]DGGPRVTINT

ClinVar aggregate classification (germline): Uncertain significance (1 of 4 stars; one submission).

Conditions:
DICER1-related tumor predisposition. Also called: DICER1 syndrome; DICER1-related pleuropulmonary blastoma cancer predisposition syndrome. Identifiers: Orphanet 284343, MedGen C3839822, MONDO:0100216.

Submission:

Labcorp Genetics (formerly Invitae), Labcorp
Classification: Uncertain significance for DICER1-related tumor predisposition. Last evaluated: 2021-09-08. Review status: criteria provided, single submitter. Criteria: Invitae Variant Classification Sherloc (09022015). Collection method: clinical testing. Allele origin: germline.
Comment: In summary, the available evidence is currently insufficient to determine the role of this variant in disease. Therefore, it has been classified as a Variant of Uncertain Significance. Algorithms developed to predict the effect of missense changes on protein structure and function are either unavailable or do not agree on the potential impact of this missense change (SIFT: "Tolerated"; PolyPhen-2: "Possibly Damaging"; Align-GVGD: "Class C0"). This variant has not been reported in the literature in individuals affected with DICER1-related conditions. This variant is not present in population databases (ExAC no frequency). This sequence change replaces aspartic acid with histidine at codon 619 of the DICER1 protein (p.Asp619His). The aspartic acid residue is moderately conserved and there is a moderate physicochemical difference between aspartic acid and histidine.